The following is an entry in ClinVar:

NM_153252.5(BRWD3):c.3435A>C (p.Glu1145Asp)

Gene: BRWD3 (bromodomain and WD repeat domain containing 3; minus strand). Cytogenetic location: Xq21.1.
Variant type: single nucleotide variant.
Coding change: c.3435A>C on transcript NM_153252.5 (MANE Select); coding-DNA position 3435, A replaced by C.
Protein change: p.Glu1145Asp; replaces glutamic acid 1145 with aspartic acid.
Molecular consequence: missense variant.
Genome position (GRCh38, 1-based): chrX:80,691,869, T>G on the plus strand (A>C on the coding strand, the complement: BRWD3 is on the minus strand). VCF-style: chrX-80691869-T-G. GRCh37 (hg19) VCF-style: chrX-79947368-T-G.
Other names: short protein forms E1145D.
Identifiers: ClinVar variation 3633521 (VCV003633521.2).

ClinVar aggregate classification (germline): Uncertain significance (1 of 4 stars; one submission).

gnomAD v4.1: 2 of 1,211,019 alleles (0.00017%); highest among the groups gnomAD compares: Non-Finnish European, 0.00011%; no homozygotes.

Submission:

Labcorp Genetics (formerly Invitae), Labcorp
Classification: Uncertain significance. Last evaluated: 2024-08-31. Review status: criteria provided, single submitter. Criteria: Invitae Variant Classification Sherloc (09022015). Collection method: clinical testing. Allele origin: germline.
Comment: This sequence change replaces glutamic acid, which is acidic and polar, with aspartic acid, which is acidic and polar, at codon 1145 of the BRWD3 protein (p.Glu1145Asp). This variant is not present in population databases (gnomAD no frequency). This variant has not been reported in the literature in individuals affected with BRWD3-related conditions. Invitae Evidence Modeling of protein sequence and biophysical properties (such as structural, functional, and spatial information, amino acid conservation, physicochemical variation, residue mobility, and thermodynamic stability) indicates that this missense variant is not expected to disrupt BRWD3 protein function with a negative predictive value of 80%. In summary, the available evidence is currently insufficient to determine the role of this variant in disease. Therefore, it has been classified as a Variant of Uncertain Significance.